The following is an entry in ClinVar:

ClinVar aggregate classification (germline): Pathogenic (1 of 4 stars; one submission).

Conditions:
Familial cancer of breast. Also called: Hereditary breast cancer; BREAST CANCER, FAMILIAL; hereditary breast carcinoma. Identifiers: Orphanet 227535, MedGen C0346153, MONDO:0016419, OMIM 114480. Disease mechanism: loss of function.

Submission:

Labcorp Genetics (formerly Invitae), Labcorp
Classification: Pathogenic for Familial cancer of breast. Last evaluated: 2023-10-12. Review status: criteria provided, single submitter. Criteria: Invitae Variant Classification Sherloc (09022015). Collection method: clinical testing. Allele origin: germline.
Comment: This sequence change creates a premature translational stop signal (p.Arg217Glufs*18) in the CHEK2 gene. It is expected to result in an absent or disrupted protein product. Loss-of-function variants in CHEK2 are known to be pathogenic (PMID: 21876083, 24713400). This variant is not present in population databases (gnomAD no frequency). This variant has not been reported in the literature in individuals affected with CHEK2-related conditions. For these reasons, this variant has been classified as Pathogenic.

Literature cited by the submitters: PubMed 21876083; PubMed 24713400.

NM_007194.4(CHEK2):c.649del (p.Arg217fs)

Gene: CHEK2 (checkpoint kinase 2; minus strand). Cytogenetic location: 22q12.1.
Variant type: Deletion.
Coding change: c.649del on transcript NM_007194.4 (MANE Select); coding-DNA position 649, one base deleted (A; older notation c.649delA).
Protein change: p.Arg217fs; shifts the reading frame from arginine 217.
Molecular consequence: frameshift variant. On other transcripts: 5 prime UTR variant (2), intron variant (1).
Genome position (GRCh38, 1-based): chr22:28,719,429, T deleted on the plus strand (A on the coding strand, the reverse complement: CHEK2 is on the minus strand); the first of 2 consecutive T bases (chr22:28,719,429-28,719,430); deleting either gives the same sequence. VCF-style (leftmost placement, unchanged base first): chr22-28719428-CT-C. GRCh37 (hg19) VCF-style: chr22-29115416-CT-C.
Other names: c.778del, p.Arg260fs (NM_001005735.3, NM_001438294.1); c.-15del (NM_001257387.3, NM_001437942.1); c.742del, p.Arg248fs (NM_001438293.1, NM_001438295.1); c.649del, p.Arg217fs (NM_145862.3); c.482+5457del (NM_001349956.3); short protein forms R217fs, R260fs, R248fs.
Identifiers: ClinVar variation 2764202 (VCV002764202.3), dbSNP rs2518009253, ClinGen allele CA2697552649.